The following is an entry in ClinVar:

ClinVar aggregate classification (germline): Uncertain significance (1 of 4 stars; one submission).

Allele frequency attached by ClinVar (database versions not stated): gnomAD exomes below 0.00001.

Submission:

Ambry Genetics
Classification: Uncertain significance. Last evaluated: 2022-08-08. Review status: criteria provided, single submitter. Criteria: Ambry Variant Classification Scheme 2023. Collection method: clinical testing. Allele origin: germline.
Comment: The p.D1029N variant (also known as c.3085G>A), located in coding exon 17 of the NPAT gene, results from a G to A substitution at nucleotide position 3085. The aspartic acid at codon 1029 is replaced by asparagine, an amino acid with highly similar properties. This amino acid position is conserved. In addition, this alteration is predicted to be tolerated by in silico analysis. Since supporting evidence is limited at this time, the clinical significance of this alteration remains unclear.

NM_002519.3(NPAT):c.3085G>A (p.Asp1029Asn)

Gene: NPAT (nuclear protein, coactivator of histone transcription; minus strand). Cytogenetic location: 11q22.3.
Variant type: single nucleotide variant.
Coding change: c.3085G>A on transcript NM_002519.3 (MANE Select); coding-DNA position 3085, G replaced by A.
Protein change: p.Asp1029Asn; replaces aspartic acid 1029 with asparagine.
Molecular consequence: missense variant.
Genome position (GRCh38, 1-based): chr11:108,162,001, C>T on the plus strand (G>A on the coding strand, the complement: NPAT is on the minus strand). VCF-style: chr11-108162001-C-T. GRCh37 (hg19) VCF-style: chr11-108032728-C-T.
Other names: c.3106G>A, p.Asp1036Asn (NM_001321307.1); short protein forms D1036N, D1029N.
Identifiers: ClinVar variation 1727399 (VCV001727399.2), dbSNP rs2496697440, ClinGen allele CA382511561.